The following is an entry in ClinVar:

ClinVar aggregate classification (germline): Likely benign. Review status: criteria provided, multiple submitters, no conflicts (2 of 4 stars). 3 submissions from 3 submitters: Likely benign (3). Last evaluated 2025-11-09.

Conditions:
Hereditary cancer-predisposing syndrome. Also called: Tumor predisposition; Neoplastic Syndromes, Hereditary; Hereditary Cancer Syndrome; Hereditary neoplastic syndrome. Identifiers: Orphanet 140162, MedGen C0027672, MeSH D009386, MONDO:0015356.
Peutz-Jeghers syndrome (PJS). Also called: POLYPOSIS, HAMARTOMATOUS INTESTINAL; POLYPS-AND-SPOTS SYNDROME; Peutz-Jeghers polyposis; Periorificial lentiginosis syndrome. Identifiers: Orphanet 2869, MedGen C0031269, MeSH D010580, MONDO:0008280, OMIM 175200.

Allele frequency attached by ClinVar (database versions not stated): gnomAD below 0.00001 and 0.00001; gnomAD exomes 0.00001 and 0.00003; ExAC 0.00002; 1000 Genomes Project 30x 0.00016.

Submissions (3):

Labcorp Genetics (formerly Invitae), Labcorp
Classification: Likely benign for Peutz-Jeghers syndrome. Last evaluated: 2025-11-09. Review status: criteria provided, single submitter. Criteria: Invitae Variant Classification Sherloc (09022015). Collection method: clinical testing. Allele origin: germline.

Myriad Genetics, Inc.
Classification: Likely benign for Peutz-Jeghers syndrome. Last evaluated: 2025-03-25. Review status: criteria provided, single submitter. Criteria: Myriad Autosomal Dominant, Autosomal Recessive and X-Linked Classification Criteria (2023). Collection method: clinical testing. Allele origin: unknown.
Comment: This variant is considered likely benign. This variant is intronic and is not expected to impact mRNA splicing.

Color Diagnostics, LLC DBA Color Health
Classification: Likely benign for Hereditary cancer-predisposing syndrome. Last evaluated: 2017-02-14. Review status: criteria provided, single submitter. Criteria: ACMG Guidelines, 2015. Collection method: clinical testing. Allele origin: germline.

NM_000455.5(STK11):c.291-17del

Gene: STK11 (serine/threonine kinase 11; plus strand). Cytogenetic location: 19p13.3.
Variant type: Deletion.
Coding change: c.291-17del on transcript NM_000455.5 (MANE Select); 17 bases into the intron before coding-DNA position 291, one base deleted (T; older notation c.291-17delT).
Molecular consequence: intron variant.
Genome position (GRCh38, 1-based): chr19:1,218,400, T deleted. VCF-style (leftmost placement, unchanged base first): chr19-1218399-CT-C. GRCh37 (hg19) VCF-style: chr19-1218398-CT-C.
Other names: c.291-17delT (NM_000455.4).
Identifiers: ClinVar variation 492523 (VCV000492523.12), dbSNP rs764973846, ClinGen allele CA046872.
Genomic context (GRCh38, chr19:1,218,399, plus strand): 5'-GGGGAGGCCGACTCCAGGGATCCAGGCCATCATCCTGACGTTGGGTCGGCTGATACACCC[CT>C]GTCCTCTCTGTCCCAGGGAAATTCAACTACTGAGGAGGTTACGGCACAAAAATGTCATCC-3'